The following is an entry in ClinVar:

NM_006231.4(POLE):c.1016A>C (p.Asp339Ala)

Gene: POLE (DNA polymerase epsilon, catalytic subunit; minus strand). Cytogenetic location: 12q24.33.
Variant type: single nucleotide variant.
Coding change: c.1016A>C on transcript NM_006231.4 (MANE Select); coding-DNA position 1016, A replaced by C.
Protein change: p.Asp339Ala; replaces aspartic acid 339 with alanine.
Molecular consequence: missense variant.
Genome position (GRCh38, 1-based): chr12:132,676,098, T>G on the plus strand (A>C on the coding strand, the complement: POLE is on the minus strand). VCF-style: chr12-132676098-T-G. GRCh37 (hg19) VCF-style: chr12-133252684-T-G.
Other names: short protein forms D339A.
Identifiers: ClinVar variation 2562910 (VCV002562910.2), dbSNP rs1060500865, ClinGen allele CA387363386.

ClinVar aggregate classification (germline): Uncertain significance (1 of 4 stars; one submission).

Conditions:
Hereditary cancer-predisposing syndrome. Also called: Neoplastic Syndromes, Hereditary; Hereditary Cancer Syndrome; Hereditary neoplastic syndrome; Tumor predisposition. Identifiers: Orphanet 140162, MedGen C0027672, MeSH D009386, MONDO:0015356.

Submission:

Ambry Genetics
Classification: Uncertain significance for Hereditary cancer-predisposing syndrome. Last evaluated: 2023-04-05. Review status: criteria provided, single submitter. Criteria: Ambry Variant Classification Scheme 2023. Collection method: clinical testing. Allele origin: germline.
Comment: The p.D339A variant (also known as c.1016A>C), located in coding exon 10 of the POLE gene, results from an A to C substitution at nucleotide position 1016. The aspartic acid at codon 339 is replaced by alanine, an amino acid with dissimilar properties. This amino acid position is highly conserved in available vertebrate species. In addition, the in silico prediction for this alteration is inconclusive. Since supporting evidence is limited at this time, the clinical significance of this alteration remains unclear.